The following is an entry in ClinVar:

NM_014625.4(NPHS2):c.151_152delinsCT (p.Ala51Leu)

Gene: NPHS2 (NPHS2 stomatin family member, podocin; minus strand). Cytogenetic location: 1q25.2.
Variant type: Indel.
Coding change: c.151_152delinsCT on transcript NM_014625.4 (MANE Select); coding-DNA positions 151 to 152, GC replaced by CT.
Protein change: p.Ala51Leu; replaces alanine 51 with leucine.
Molecular consequence: missense variant.
Genome position (GRCh38, 1-based): chr1:179,575,713-179,575,714, GC replaced by AG on the plus strand (GC replaced by CT on the coding strand, the reverse complement: NPHS2 is on the minus strand). VCF-style: chr1-179575713-GC-AG. GRCh37 (hg19) VCF-style: chr1-179544848-GC-AG.
Other names: c.151_152delinsCT, p.Ala51Leu (NM_001297575.2); c.151_152delGCinsCT, p.Ala51Leu (NM_014625.3); c.151_152delinsCT (NM_014625.3); short protein forms A51L.
Identifiers: ClinVar variation 2167442 (VCV002167442.2), dbSNP rs2526378384, ClinGen allele CA2580061521.

ClinVar aggregate classification (germline): Uncertain significance. Review status: criteria provided, multiple submitters, no conflicts (2 of 4 stars). 2 submissions from 2 submitters: Uncertain significance (2). Last evaluated 2025-02-04.

Submissions (2):

GeneDx
Classification: Uncertain significance. Last evaluated: 2025-02-04. Review status: criteria provided, single submitter. Criteria: GeneDx Variant Classification Process June 2021. Collection method: clinical testing. Allele origin: germline. Affected: yes.
Comment: Not observed at significant frequency in large population cohorts (gnomAD); In silico analysis indicates that this variant does not alter protein structure/function; Has not been previously published as pathogenic or benign to our knowledge

Labcorp Genetics (formerly Invitae), Labcorp
Classification: Uncertain significance. Last evaluated: 2022-04-18. Review status: criteria provided, single submitter. Criteria: Invitae Variant Classification Sherloc (09022015). Collection method: clinical testing. Allele origin: germline.
Comment: This sequence change replaces alanine, which is neutral and non-polar, with leucine, which is neutral and non-polar, at codon 51 of the NPHS2 protein (p.Ala51Leu). This variant is present in population databases (no rsID available, gnomAD 0.06%). This variant has not been reported in the literature in individuals affected with NPHS2-related conditions. Algorithms developed to predict the effect of missense changes on protein structure and function are either unavailable or do not agree on the potential impact of this missense change (SIFT: "Not Available"; PolyPhen-2: "Benign"; Align-GVGD: "Not Available"). In summary, the available evidence is currently insufficient to determine the role of this variant in disease. Therefore, it has been classified as a Variant of Uncertain Significance.